The following is an entry in ClinVar:

NM_001378964.1(CDON):c.441C>G (p.Asn147Lys)

Gene: CDON (cell adhesion associated, oncogene regulated; minus strand). Cytogenetic location: 11q24.2.
Variant type: single nucleotide variant.
Coding change: c.441C>G on transcript NM_001378964.1 (MANE Select); coding-DNA position 441, C replaced by G.
Protein change: p.Asn147Lys; replaces asparagine 147 with lysine.
Molecular consequence: missense variant.
Genome position (GRCh38, 1-based): chr11:126,019,674, G>C on the plus strand (C>G on the coding strand, the complement: CDON is on the minus strand). VCF-style: chr11-126019674-G-C. GRCh37 (hg19) VCF-style: chr11-125889569-G-C.
Other names: c.441C>G, p.Asn147Lys (NM_016952.6, NM_001243597.3); short protein forms N147K.
Identifiers: ClinVar variation 2746582 (VCV002746582.3), dbSNP rs2134684608, ClinGen allele CA383211610.

ClinVar aggregate classification (germline): Uncertain significance (1 of 4 stars; one submission).

Conditions:
Holoprosencephaly 11 (HPE11). Identifiers: Orphanet 2162, MedGen C3280215, MONDO:0013642, OMIM 614226.

Submission:

Labcorp Genetics (formerly Invitae), Labcorp
Classification: Uncertain significance for Holoprosencephaly 11. Last evaluated: 2023-08-09. Review status: criteria provided, single submitter. Criteria: Invitae Variant Classification Sherloc (09022015). Collection method: clinical testing. Allele origin: germline.
Comment: In summary, the available evidence is currently insufficient to determine the role of this variant in disease. Therefore, it has been classified as a Variant of Uncertain Significance. An algorithm developed to predict the effect of missense changes on protein structure and function (PolyPhen-2) suggests that this variant is likely to be disruptive. This variant has not been reported in the literature in individuals affected with CDON-related conditions. This variant is not present in population databases (gnomAD no frequency). This sequence change replaces asparagine, which is neutral and polar, with lysine, which is basic and polar, at codon 147 of the CDON protein (p.Asn147Lys).